The following is an entry in ClinVar:

NM_021961.6(TEAD1):c.440G>A (p.Arg147His)

Gene: TEAD1 (TEA domain transcription factor 1; plus strand). Cytogenetic location: 11p15.3.
Variant type: single nucleotide variant.
Coding change: c.440G>A on transcript NM_021961.6 (MANE Select); coding-DNA position 440, G replaced by A.
Protein change: p.Arg147His; replaces arginine 147 with histidine.
Molecular consequence: missense variant.
Genome position (GRCh38, 1-based): chr11:12,879,817, G>A. VCF-style: chr11-12879817-G-A. GRCh37 (hg19) VCF-style: chr11-12901364-G-A.
Other names: short protein forms R147H.
Identifiers: ClinVar variation 1480423 (VCV001480423.9), dbSNP rs1174214450, ClinGen allele CA379711972.

ClinVar aggregate classification (germline): Uncertain significance. Review status: criteria provided, multiple submitters, no conflicts (2 of 4 stars). 2 submissions from 2 submitters: Uncertain significance (2). Last evaluated 2024-01-11.

Allele frequency attached by ClinVar (database versions not stated): gnomAD 0.00001.
gnomAD v4.1: 8 of 1,613,758 alleles (0.0005%); highest among the groups gnomAD compares: South Asian, 0.0033%; no homozygotes.

Submissions (2):

Blueprint Genetics
Classification: Uncertain significance. Last evaluated: 2024-01-11. Review status: criteria provided, single submitter. Criteria: ACMG Guidelines, 2015. Collection method: clinical testing. Allele origin: germline.

Labcorp Genetics (formerly Invitae), Labcorp
Classification: Uncertain significance. Last evaluated: 2021-03-25. Review status: criteria provided, single submitter. Criteria: Invitae Variant Classification Sherloc (09022015). Collection method: clinical testing. Allele origin: germline.
Comment: In summary, the available evidence is currently insufficient to determine the role of this variant in disease. Therefore, it has been classified as a Variant of Uncertain Significance. Algorithms developed to predict the effect of missense changes on protein structure and function are either unavailable or do not agree on the potential impact of this missense change (SIFT: "Deleterious"; PolyPhen-2: "Benign"; Align-GVGD: "Class C0"). This variant has not been reported in the literature in individuals with TEAD1-related conditions. This variant is not present in population databases (ExAC no frequency). This sequence change replaces arginine with histidine at codon 147 of the TEAD1 protein (p.Arg147His). The arginine residue is highly conserved and there is a small physicochemical difference between arginine and histidine.